The following is an entry in ClinVar:

NM_004387.4(NKX2-5):c.452A>T (p.Tyr151Phe)

Gene: NKX2-5 (NK2 homeobox 5; minus strand). Cytogenetic location: 5q35.1.
Variant type: single nucleotide variant.
Coding change: c.452A>T on transcript NM_004387.4 (MANE Select); coding-DNA position 452, A replaced by T.
Protein change: p.Tyr151Phe; replaces tyrosine 151 with phenylalanine.
Molecular consequence: missense variant. On other transcripts: 3 prime UTR variant (2).
Genome position (GRCh38, 1-based): chr5:173,233,092, T>A on the plus strand (A>T on the coding strand, the complement: NKX2-5 is on the minus strand). VCF-style: chr5-173233092-T-A. GRCh37 (hg19) VCF-style: chr5-172660095-T-A.
Other names: c.*405A>T (NM_001166175.2); c.*251A>T (NM_001166176.2); short protein forms Y151F.
Identifiers: ClinVar variation 3405903 (VCV003405903.1).

ClinVar aggregate classification (germline): Uncertain significance (1 of 4 stars; one submission).

Conditions:
Cardiovascular phenotype. Identifiers: MedGen CN230736.

Submission:

Ambry Genetics
Classification: Uncertain significance for Cardiovascular phenotype. Last evaluated: 2024-10-15. Review status: criteria provided, single submitter. Criteria: Ambry Variant Classification Scheme 2023. Collection method: clinical testing. Allele origin: germline.
Comment: The p.Y151F variant (also known as c.452A>T), located in coding exon 2 of the NKX2-5 gene, results from an A to T substitution at nucleotide position 452. The tyrosine at codon 151 is replaced by phenylalanine, an amino acid with highly similar properties. This amino acid position is conserved. In addition, the in silico prediction for this alteration is inconclusive. Based on the available evidence, the clinical significance of this variant remains unclear.